The following is an entry in ClinVar:

NM_170682.4(P2RX2):c.468_469inv (p.Gly157Arg)

Gene: P2RX2 (purinergic receptor P2X 2; plus strand). Cytogenetic location: 12q24.33.
Variant type: Inversion.
Coding change: c.468_469inv on transcript NM_170682.4 (MANE Select).
Protein change: p.Gly157Arg; replaces glycine 157 with arginine.
Molecular consequence: missense variant. On other transcripts: intron variant (1).
Genome position: GRCh38 VCF-style: chr12-132620010-TG-CA. GRCh37 (hg19) VCF-style: chr12-133196596-TG-CA.
Other names: c.468_469inv, p.Gly157Arg (NM_001282165.2, NM_170683.4, NM_174873.3); c.252_253inv, p.Gly85Arg (NM_012226.5); c.396_397inv, p.Gly133Arg (NM_016318.4); c.192_193inv, p.Gly65Arg (NM_174872.3); c.386-25_386-24inv (NM_001282164.2); short protein forms G157R, G65R, G133R, G85R.
Identifiers: ClinVar variation 2894021 (VCV002894021.3), ClinGen allele CA2739277417.
Genomic context (GRCh38, chr12:132,620,010, plus strand): 5'-TGGGGCAGGGCTGCGTCCCCGCTAATGCCTCAGTGACCTCTGCCTCCCAGGCCTGAGGAC[TG>CA]GGCGCTGTGTGCCCTATTACCAGGGGCCCTCCAAGACCTGCGAGGTGTTCGGCTGGTGCC-3'
Protein context (NP_733782.1, residues 147-167): LDMLGNGLRT[Gly157Arg]RCVPYYQGPS

ClinVar aggregate classification (germline): Uncertain significance (1 of 4 stars; one submission).

Submission:

Labcorp Genetics (formerly Invitae), Labcorp
Classification: Uncertain significance. Last evaluated: 2023-05-20. Review status: criteria provided, single submitter. Criteria: Invitae Variant Classification Sherloc (09022015). Collection method: clinical testing. Allele origin: germline.
Comment: In summary, the available evidence is currently insufficient to determine the role of this variant in disease. Therefore, it has been classified as a Variant of Uncertain Significance. Experimental studies and prediction algorithms are not available or were not evaluated, and the functional significance of this variant is currently unknown. This variant has not been reported in the literature in individuals affected with P2RX2-related conditions. Information on the frequency of this variant in the gnomAD database is not available, as this variant may be reported differently in the database. This sequence change replaces glycine, which is neutral and non-polar, with arginine, which is basic and polar, at codon 157 of the P2RX2 protein (p.Gly157Arg).